The following is an entry in ClinVar:

NM_002230.4(JUP):c.36G>T (p.Lys12Asn)

Gene: JUP (junction plakoglobin; minus strand). Cytogenetic location: 17q21.2.
Variant type: single nucleotide variant.
Coding change: c.36G>T on transcript NM_002230.4 (MANE Select); coding-DNA position 36, G replaced by T.
Protein change: p.Lys12Asn; replaces lysine 12 with asparagine.
Molecular consequence: missense variant.
Genome position (GRCh38, 1-based): chr17:41,771,819, C>A on the plus strand (G>T on the coding strand, the complement: JUP is on the minus strand). VCF-style: chr17-41771819-C-A. GRCh37 (hg19) VCF-style: chr17-39928071-C-A.
Other names: c.36G>T, p.Lys12Asn (NM_001352773.2, NM_001352774.2, NM_001352775.2 and 3 more transcripts); short protein forms K12N.
Identifiers: ClinVar variation 3222010 (VCV003222010.2), dbSNP rs2544217465, ClinGen allele CA399507264.
Genomic context (GRCh38, chr17:41,771,819, plus strand): 5'-GGTGTTGGCGCCCGAGTGGATACCCGAGTCGTAGGTGTATGTCTGCTGCCACTCAGTCAC[C>A]TTGATAGGCTGCTCCATCAGGTTCATCACCTCCATCGTGGCTACTGGGGGCACAAAGGAG-3'
Protein context (NP_002221.1, residues 2-22): EVMNLMEQPI[Lys12Asn]VTEWQQTYTY

ClinVar aggregate classification (germline): Uncertain significance. Review status: criteria provided, multiple submitters, no conflicts (2 of 4 stars). 2 submissions from 2 submitters: Uncertain significance (2). Last evaluated 2025-03-16.

Conditions:
Cardiovascular phenotype. Identifiers: MedGen CN230736.
Naxos disease (NXD). Also called: KERATOSIS PALMOPLANTARIS WITH ARRHYTHMOGENIC CARDIOMYOPATHY; MAL DE NAXOS; PALMOPLANTAR KERATODERMA WITH ARRHYTHMOGENIC RIGHT VENTRICULAR CARDIOMYOPATHY AND WOOLLY HAIR; WOOLLY HAIR, PALMOPLANTAR KERATODERMA, AND CARDIAC ABNORMALITIES; CARDIOMYOPATHY, ARRHYTHMOGENIC RIGHT VENTRICULAR, WITH SKIN, HAIR, AND NAIL ABNORMALITIES. Identifiers: Orphanet 34217, MedGen C1832600, MONDO:0011017, OMIM 601214.
Arrhythmogenic right ventricular dysplasia 12. Also called: ARRHYTHMOGENIC RIGHT VENTRICULAR DYSPLASIA, FAMILIAL, 12. Identifiers: MedGen C1969081, MONDO:0012684, OMIM 611528.

Allele frequency attached by ClinVar (database versions not stated): gnomAD exomes below 0.00001.
gnomAD v4.1: 1 of 1,613,800 alleles (0.000062%); highest among the groups gnomAD compares: Admixed American, 0.0017%; no homozygotes.

Submissions (2):

Labcorp Genetics (formerly Invitae), Labcorp
Classification: Uncertain significance for Arrhythmogenic right ventricular dysplasia 12; Naxos disease. Last evaluated: 2025-03-16. Review status: criteria provided, single submitter. Criteria: Invitae Variant Classification Sherloc (09022015). Collection method: clinical testing. Allele origin: germline.
Comment: This sequence change replaces lysine, which is basic and polar, with asparagine, which is neutral and polar, at codon 12 of the JUP protein (p.Lys12Asn). This variant is not present in population databases (gnomAD no frequency). This variant has not been reported in the literature in individuals affected with JUP-related conditions. ClinVar contains an entry for this variant (Variation ID: 3222010). An algorithm developed to predict the effect of missense changes on protein structure and function (PolyPhen-2) suggests that this variant is likely to be disruptive. In summary, the available evidence is currently insufficient to determine the role of this variant in disease. Therefore, it has been classified as a Variant of Uncertain Significance.

Ambry Genetics
Classification: Uncertain significance for Cardiovascular phenotype. Last evaluated: 2024-01-29. Review status: criteria provided, single submitter. Criteria: Ambry Variant Classification Scheme 2023. Collection method: clinical testing. Allele origin: germline.
Comment: The p.K12N variant (also known as c.36G>T), located in coding exon 1 of the JUP gene, results from a G to T substitution at nucleotide position 36. The lysine at codon 12 is replaced by asparagine, an amino acid with similar properties. This amino acid position is conserved. In addition, this alteration is predicted to be tolerated by in silico analysis. Based on the available evidence, the clinical significance of this alteration remains unclear.